The following is an entry in ClinVar:

NM_004655.4(AXIN2):c.911G>T (p.Ser304Ile)

Gene: AXIN2 (axin 2; minus strand). Cytogenetic location: 17q24.1.
Variant type: single nucleotide variant.
Coding change: c.911G>T on transcript NM_004655.4 (MANE Select); coding-DNA position 911, G replaced by T.
Protein change: p.Ser304Ile; replaces serine 304 with isoleucine.
Molecular consequence: missense variant.
Genome position (GRCh38, 1-based): chr17:65,549,565, C>A on the plus strand (G>T on the coding strand, the complement: AXIN2 is on the minus strand). VCF-style: chr17-65549565-C-A. GRCh37 (hg19) VCF-style: chr17-63545683-C-A.
Other names: c.911G>T, p.Ser304Ile (NM_001363813.1); c.911G>T (LRG_296t1); short protein forms S304I.
Identifiers: ClinVar variation 240039 (VCV000240039.11), dbSNP rs577812215, ClinGen allele CA10583656.

ClinVar aggregate classification (germline): Uncertain significance. Review status: criteria provided, multiple submitters, no conflicts (2 of 4 stars). 3 submissions from 3 submitters: Uncertain significance (3). Last evaluated 2023-12-07.

Conditions:
Hereditary cancer-predisposing syndrome. Also called: Neoplastic Syndromes, Hereditary; Hereditary neoplastic syndrome; Tumor predisposition; Hereditary Cancer Syndrome. Identifiers: Orphanet 140162, MedGen C0027672, MeSH D009386, MONDO:0015356.
Oligodontia-cancer predisposition syndrome. Also called: TOOTH AGENESIS-COLORECTAL CANCER SYNDROME. Identifiers: Orphanet 300576, MedGen C1837750, MONDO:0012075, OMIM 608615. Disease mechanism: loss of function.

Submissions (3):

Ambry Genetics
Classification: Uncertain significance for Hereditary cancer-predisposing syndrome. Last evaluated: 2023-12-07. Review status: criteria provided, single submitter. Criteria: Ambry Variant Classification Scheme 2023. Collection method: clinical testing. Allele origin: germline.
Comment: The p.S304I variant (also known as c.911G>T), located in coding exon 2 of the AXIN2 gene, results from a G to T substitution at nucleotide position 911. The serine at codon 304 is replaced by isoleucine, an amino acid with dissimilar properties. This amino acid position is conserved. In addition, this alteration is predicted to be deleterious by in silico analysis. Since supporting evidence is limited at this time, the clinical significance of this alteration remains unclear.

Labcorp Genetics (formerly Invitae), Labcorp
Classification: Uncertain significance for Oligodontia-cancer predisposition syndrome. Last evaluated: 2022-10-26. Review status: criteria provided, single submitter. Criteria: Invitae Variant Classification Sherloc (09022015). Collection method: clinical testing. Allele origin: germline.
Comment: This variant has not been reported in the literature in individuals affected with AXIN2-related conditions. ClinVar contains an entry for this variant (Variation ID: 240039). Advanced modeling of protein sequence and biophysical properties (such as structural, functional, and spatial information, amino acid conservation, physicochemical variation, residue mobility, and thermodynamic stability) performed at Invitae indicates that this missense variant is expected to disrupt AXIN2 protein function. In summary, the available evidence is currently insufficient to determine the role of this variant in disease. Therefore, it has been classified as a Variant of Uncertain Significance. This variant is not present in population databases (gnomAD no frequency). This sequence change replaces serine, which is neutral and polar, with isoleucine, which is neutral and non-polar, at codon 304 of the AXIN2 protein (p.Ser304Ile).

GeneDx
Classification: Uncertain significance. Last evaluated: 2019-07-03. Review status: criteria provided, single submitter. Criteria: GeneDx Variant Classification Process June 2021. Collection method: clinical testing. Allele origin: germline. Affected: yes.
Comment: Not observed in large population cohorts (Lek et al., 2016); In silico analysis, which includes protein predictors and evolutionary conservation, supports a deleterious effect; Has not been previously published as pathogenic or benign to our knowledge